The following is an entry in ClinVar:

NM_001378615.1(CC2D2A):c.2604C>T (p.Ala868=)

Genes: CC2D2A (coiled-coil and C2 domain containing 2A; plus strand), FBXL5 (F-box and leucine rich repeat protein 5; minus strand). Cytogenetic location: 4p15.32.
Variant type: single nucleotide variant.
Coding change: c.2604C>T on transcript NM_001378615.1 (MANE Select); coding-DNA position 2604, C replaced by T.
Protein change: p.Ala868=; no amino-acid change (alanine 868 retained).
Molecular consequence: synonymous variant.
Genome position (GRCh38, 1-based): chr4:15,555,189, C>T. VCF-style: chr4-15555189-C-T. GRCh37 (hg19) VCF-style: chr4-15556812-C-T.
Other names: c.2604C>T, p.Ala868= (NM_001080522.2); c.2457C>T, p.Ala819= (NM_001378617.1).
Identifiers: ClinVar variation 1621246 (VCV001621246.11), dbSNP rs763477348, ClinGen allele CA438389053.

ClinVar aggregate classification (germline): Likely benign. Review status: criteria provided, multiple submitters, no conflicts (2 of 4 stars). 3 submissions from 3 submitters: Likely benign (2). 1 of the submissions does not count toward it. Last evaluated 2025-10-05.

Conditions:
CC2D2A-related disorder. Also called: CC2D2A-related condition; CC2D2A-related disorders. Identifiers: MedGen CN239313.
Meckel-Gruber syndrome. Also called: DYSENCEPHALIA SPLANCHNOCYSTICA; GRUBER SYNDROME; Dysencephalia splachnocystica. Identifiers: Orphanet 564, MedGen C0265215, MONDO:0018921.
Joubert syndrome. Also called: JOUBERT-BOLTSHAUSER SYNDROME; Familial aplasia of the vermis. Identifiers: Orphanet 475, MedGen C5979921, MONDO:0018772.

gnomAD v4.1: 3 of 1,613,540 alleles (0.00019%); highest among the groups gnomAD compares: South Asian, 0.0011%; no homozygotes.

Submissions (3):

Labcorp Genetics (formerly Invitae), Labcorp
Classification: Likely benign for Joubert syndrome; Meckel-Gruber syndrome. Last evaluated: 2025-10-05. Review status: criteria provided, single submitter. Criteria: Invitae Variant Classification Sherloc (09022015). Collection method: clinical testing. Allele origin: germline.

Blueprint Genetics
Classification: Likely benign. Last evaluated: 2024-07-01. Review status: criteria provided, single submitter. Criteria: ACMG Guidelines, 2015. Collection method: clinical testing. Allele origin: germline.

PreventionGenetics, part of Exact Sciences
Classification: Likely benign for CC2D2A-related condition. Last evaluated: 2022-10-26. Review status: no assertion criteria provided. Collection method: clinical testing. Allele origin: germline. Not counted in ClinVar's aggregate classification.
Comment: This variant is classified as likely benign based on ACMG/AMP sequence variant interpretation guidelines (Richards et al. 2015 PMID: 25741868, with internal and published modifications).